The following is an entry in ClinVar:

NM_001006658.3(CR2):c.1117G>A (p.Asp373Asn)

Genes: CR2 (complement C3d receptor 2; plus strand), LOC126805994 (BRD4-independent group 4 enhancer GRCh37_chr1:207642622-207643821; plus strand). Cytogenetic location: 1q32.2.
Variant type: single nucleotide variant.
Coding change: c.1117G>A on transcript NM_001006658.3 (MANE Select); coding-DNA position 1117, G replaced by A.
Protein change: p.Asp373Asn; replaces aspartic acid 373 with asparagine.
Molecular consequence: missense variant.
Genome position (GRCh38, 1-based): chr1:207,469,994, G>A. VCF-style: chr1-207469994-G-A. GRCh37 (hg19) VCF-style: chr1-207643339-G-A.
Other names: c.1117G>A, p.Asp373Asn (NM_001877.5); short protein forms D373N.
Identifiers: ClinVar variation 971534 (VCV000971534.6), dbSNP rs202077872, ClinGen allele CA1368631.
Genomic context (GRCh38, chr1:207,469,994, plus strand): 5'-CATCCCCAGATCCTAAGAGGCCGAATGGTATCTGGGCAGAAAGATCGATATACCTATAAC[G>A]ACACTGTGATATTTGCTTGCATGTTTGGCTTCACCTTGAAGGGCAGCAAGCAAATCCGAT-3'
Protein context (NP_001006659.1, residues 363-383): SGQKDRYTYN[Asp373Asn]TVIFACMFGF

ClinVar aggregate classification (germline): Uncertain significance (1 of 4 stars; one submission).

Conditions:
Immunodeficiency, common variable, 7. Identifiers: Orphanet 1572, Orphanet 696894, MedGen C3542922, MONDO:0013862, OMIM 614699.

Allele frequency attached by ClinVar (database versions not stated): ExAC 0.00014; gnomAD 0.00015 and 0.00014; TOPMed 0.00007; gnomAD exomes 0.00009.
gnomAD v4.1: 147 of 1,613,854 alleles (0.0091%); highest among the groups gnomAD compares: Non-Finnish European, 0.011%; no homozygotes.

Submission:

Labcorp Genetics (formerly Invitae), Labcorp
Classification: Uncertain significance for Immunodeficiency, common variable, 7. Last evaluated: 2024-11-11. Review status: criteria provided, single submitter. Criteria: Invitae Variant Classification Sherloc (09022015). Collection method: clinical testing. Allele origin: germline.
Comment: This sequence change replaces aspartic acid, which is acidic and polar, with asparagine, which is neutral and polar, at codon 373 of the CR2 protein (p.Asp373Asn). This variant is present in population databases (rs202077872, gnomAD 0.02%). This variant has not been reported in the literature in individuals affected with CR2-related conditions. ClinVar contains an entry for this variant (Variation ID: 971534). An algorithm developed to predict the effect of missense changes on protein structure and function (PolyPhen-2) suggests that this variant¬†is likely to be tolerated. In summary, the available evidence is currently insufficient to determine the role of this variant in disease. Therefore, it has been classified as a Variant of Uncertain Significance.